The following is an entry in ClinVar:

ClinVar aggregate classification (germline): Pathogenic (1 of 4 stars; one submission).

Submission:

Labcorp Genetics (formerly Invitae), Labcorp
Classification: Pathogenic. Last evaluated: 2021-03-14. Review status: criteria provided, single submitter. Criteria: Invitae Variant Classification Sherloc (09022015). Collection method: clinical testing. Allele origin: germline.
Comment: For these reasons, this variant has been classified as Pathogenic. This variant disrupts the C-terminus of the FZD4 protein. Other variant(s) that disrupt this region (p.Trp496*) have been determined to be pathogenic (PMID: 30452590, 19324841, Invitae). This suggests that variants that disrupt this region of the protein are likely to be causative of disease. This variant has not been reported in the literature in individuals with FZD4-related conditions. This variant is not present in population databases (ExAC no frequency). This sequence change creates a premature translational stop signal (p.Asn461Glnfs*11) in the FZD4 gene. While this is not anticipated to result in nonsense mediated decay, it is expected to disrupt the last 77 amino acid(s) of the FZD4 protein.

Literature cited by the submitters: PubMed 30452590; PubMed 19324841.

NM_012193.4(FZD4):c.1380dup (p.Asn461fs)

Genes: FZD4 (frizzled class receptor 4; minus strand), PRSS23 (serine protease 23; plus strand). Cytogenetic location: 11q14.2.
Variant type: Duplication.
Coding change: c.1380dup on transcript NM_012193.4 (MANE Select); coding-DNA position 1380, one base duplicated (C; older notation c.1380dupC).
Protein change: p.Asn461fs; shifts the reading frame from asparagine 461.
Molecular consequence: frameshift variant. On other transcripts: non-coding transcript variant (2).
Genome position (GRCh38, 1-based): chr11:86,951,376, G duplicated on the plus strand (C on the coding strand, the reverse complement: FZD4 is on the minus strand); the first of 2 consecutive G bases (chr11:86,951,376-86,951,377); duplicating either gives the same sequence. VCF-style (leftmost placement, unchanged base first): chr11-86951375-T-TG. GRCh37 (hg19) VCF-style: chr11-86662417-T-TG.
Other names: short protein forms N461fs.
Identifiers: ClinVar variation 1412236 (VCV001412236.8), dbSNP rs2135040070, ClinGen allele CA2573147784.